The following is an entry in ClinVar:

ClinVar aggregate classification (germline): Uncertain significance. Review status: criteria provided, multiple submitters, no conflicts (2 of 4 stars). 4 submissions from 4 submitters: Uncertain significance (4). Last evaluated 2025-06-07.

Conditions:
Aortic aneurysm, familial thoracic 4 (AAT4). Also called: AORTIC ANEURYSM/AORTIC DISSECTION AND PATENT DUCTUS ARTERIOSUS. Identifiers: MedGen C1851504, MONDO:0007568, OMIM 132900.
Familial thoracic aortic aneurysm and aortic dissection (TAAD). Also called: Thoracic aortic aneurysms and dissections. Identifiers: Orphanet 91387, MedGen C4707243, MONDO:0019625.

Allele frequency attached by ClinVar (database versions not stated): TOPMed 0.00001.

Submissions (4):

Dasa
Classification: Uncertain significance. Last evaluated: 2025-06-07. Review status: criteria provided, single submitter. Criteria: DASA Assertion Criteria. Collection method: clinical testing. Allele origin: germline.
Comment: NM_002474.3(MYH11):c.4114C>A (p.Gln1372Lys) is a missense variant that results in the substitution of glutamine with lysine. This variant is absent from population databases. Computational prediction algorithms are consistent with a deleterious effect. The currently available literature and clinical evidence are not sufficient to establish a definitive association between this variant and the reported condition. Therefore, this variant is classified as a variant of uncertain significance.

Labcorp Genetics (formerly Invitae), Labcorp
Classification: Uncertain significance for Aortic aneurysm, familial thoracic 4. Last evaluated: 2025-05-12. Review status: criteria provided, single submitter. Criteria: Invitae Variant Classification Sherloc (09022015). Collection method: clinical testing. Allele origin: germline.
Comment: This sequence change replaces glutamine, which is neutral and polar, with lysine, which is basic and polar, at codon 1379 of the MYH11 protein (p.Gln1379Lys). This variant is not present in population databases (gnomAD no frequency). This variant has not been reported in the literature in individuals affected with MYH11-related conditions. ClinVar contains an entry for this variant (Variation ID: 924794). An algorithm developed to predict the effect of missense changes on protein structure and function (PolyPhen-2) suggests that this variant is likely to be disruptive. In summary, the available evidence is currently insufficient to determine the role of this variant in disease. Therefore, it has been classified as a Variant of Uncertain Significance.

All of Us Research Program, National Institutes of Health
Classification: Uncertain significance for Familial thoracic aortic aneurysm and aortic dissection. Last evaluated: 2024-02-22. Review status: criteria provided, single submitter. Criteria: ACMG Guidelines, 2015. Collection method: clinical testing. Allele origin: germline. Inheritance: Autosomal dominant inheritance. Observed: 2 variant alleles, 2 heterozygotes.
Comment: This missense variant replaces glutamine with lysine at codon 1379 of the MYH11 protein. Computational prediction tools and conservation analyses suggest that this variant may have deleterious impact on the protein function. Computational splicing tools suggest that this variant may not impact RNA splicing. To our knowledge, functional assays have not been performed for this variant nor has this variant been reported in individuals affected with cardiovascular disorders in the literature. This variant has not been identified in the general population by the Genome Aggregation Database (gnomAD). Available evidence is insufficient to determine the role of this variant in disease conclusively. Therefore, this variant is classified as a Variant of Uncertain Significance.

This study involves interpretation of variants in research participants for the purpose of population health screening. Participant phenotype was not available at the time of variant classification. Additional details can be found in publication PMID: 35346344, PMCID: PMC8962531

Color Diagnostics, LLC DBA Color Health
Classification: Uncertain significance for Familial thoracic aortic aneurysm and aortic dissection. Last evaluated: 2024-02-05. Review status: criteria provided, single submitter. Criteria: ACMG Guidelines, 2015. Collection method: clinical testing. Allele origin: germline.
Comment: This missense variant replaces glutamine with lysine at codon 1379 of the MYH11 protein. Computational prediction suggests that this variant may have deleterious impact on protein structure and function (internally defined REVEL score threshold >= 0.7, PMID: 27666373). To our knowledge, functional studies have not been reported for this variant. This variant has not been reported in individuals affected with MYH11-related disorders in the literature. This variant has not been identified in the general population by the Genome Aggregation Database (gnomAD). The available evidence is insufficient to determine the role of this variant in disease conclusively. Therefore, this variant is classified as a Variant of Uncertain Significance.

NM_002474.3(MYH11):c.4114C>A (p.Gln1372Lys)

Genes: MYH11 (myosin heavy chain 11; minus strand), NDE1 (nudE neurodevelopment protein 1; plus strand). Cytogenetic location: 16p13.11.
Variant type: single nucleotide variant.
Coding change: c.4114C>A on transcript NM_002474.3 (MANE Select); coding-DNA position 4114, C replaced by A.
Protein change: p.Gln1372Lys; replaces glutamine 1372 with lysine.
Molecular consequence: missense variant. On other transcripts: 3 prime UTR variant (2).
Genome position (GRCh38, 1-based): chr16:15,724,649, G>T on the plus strand (C>A on the coding strand, the complement: MYH11 is on the minus strand). VCF-style: chr16-15724649-G-T. GRCh37 (hg19) VCF-style: chr16-15818506-G-T.
Other names: c.4114C>A, p.Gln1372Lys (NM_022844.3); c.*398G>T (NM_001143979.2, NM_017668.3); c.4135C>A, p.Gln1379Lys (NM_001040113.2, NM_001040114.2); short protein forms Q1379K, Q1372K.
Identifiers: ClinVar variation 924794 (VCV000924794.9), dbSNP rs957879903, ClinGen allele CA278606386.
Genomic context (GRCh38, chr16:15,724,649, plus strand): 5'-TCTCAGCGCAGAGAAGTTGAGAGGACCCATGAAGGAAGCAAGGACACGGGGCAGGCACCT[G>T]GATGTTGAGAGTGGAGATGTGGCGCTCCAGGTTCTGCTTGGCCTCCATCTCCTCGTCCAG-3'
Protein context (NP_002465.1, residues 1362-1382): LERHISTLNI[Gln1372Lys]LSDSKKKLQD